The following is an entry in ClinVar:

ClinVar aggregate classification (germline): Uncertain significance. Review status: criteria provided, multiple submitters, no conflicts (2 of 4 stars). 4 submissions from 4 submitters: Uncertain significance (4). Last evaluated 2025-01-20.

Conditions:
Glycogen storage disease IXb (GSD9B). Also called: GLYCOGENOSIS OF LIVER AND MUSCLE, AUTOSOMAL RECESSIVE; GSD IXb; PHOSPHORYLASE KINASE DEFICIENCY OF LIVER AND MUSCLE, AUTOSOMAL RECESSIVE. Identifiers: Orphanet 79240, MedGen C0543514, MONDO:0009868, OMIM 261750.

Allele frequency attached by ClinVar (database versions not stated): 1000 Genomes Project 0.00020; 1000 Genomes Project 30x 0.00031; TOPMed 0.00031; gnomAD exomes 0.00033 and 0.00035; ExAC 0.00038; ESP Exome Variant Server 0.00038; gnomAD 0.00045 and 0.00048.
gnomAD v4.1: 538 of 1,613,906 alleles (0.033%); highest among the groups gnomAD compares: Non-Finnish European, 0.04%; no homozygotes.

Submissions (8):

Labcorp Genetics (formerly Invitae), Labcorp
Classification: Uncertain significance for Glycogen storage disease IXb. Last evaluated: 2025-01-20. Review status: criteria provided, single submitter. Criteria: Invitae Variant Classification Sherloc (09022015). Collection method: clinical testing. Allele origin: germline.
Comment: This sequence change replaces asparagine, which is neutral and polar, with serine, which is neutral and polar, at codon 732 of the PHKB protein (p.Asn732Ser). This variant is present in population databases (rs201360702, gnomAD 0.07%). This variant has not been reported in the literature in individuals affected with PHKB-related conditions. ClinVar contains an entry for this variant (Variation ID: 845730). An algorithm developed to predict the effect of missense changes on protein structure and function outputs the following: PolyPhen-2: "Benign". The serine amino acid residue is found in multiple mammalian species, which suggests that this missense change does not adversely affect protein function. Algorithms developed to predict the effect of sequence changes on RNA splicing suggest that this variant may disrupt the consensus splice site. In summary, the available evidence is currently insufficient to determine the role of this variant in disease. Therefore, it has been classified as a Variant of Uncertain Significance.

Blueprint Genetics
Classification: Uncertain significance. Last evaluated: 2024-11-27. Review status: criteria provided, single submitter. Criteria: ACMG Guidelines, 2015. Collection method: clinical testing. Allele origin: germline.

Women's Health and Genetics/Laboratory Corporation of America, LabCorp
Classification: Uncertain significance. Last evaluated: 2024-08-20. Review status: criteria provided, single submitter. Criteria: LabCorp Variant Classification Summary - May 2015. Collection method: clinical testing. Allele origin: germline.
Comment: Variant summary: PHKB c.2195A>G (p.Asn732Ser) results in a conservative amino acid change located in the GH15-like domain (IPR011613) of the encoded protein sequence. Four of five in-silico tools predict a benign effect of the variant on protein function. Several computational tools predict the variant weakens or abolishes a 5' splicing donor site. However, these predictions have yet to be confirmed by functional studies. The variant allele was found at a frequency of 0.00035 in 250408 control chromosomes. This frequency is not significantly higher than estimated for a pathogenic variant in PHKB causing Glycogen Phosphorylase Kinase Deficiency (0.00035 vs 0.0011), allowing no conclusion about variant significance. c.2195A>G has been reported in the literature in at least one compound heterozygous individual affected with elevated creatine kinase levels without additional clinical details (e.g. Invernizzi_2023). This report does not provide unequivocal conclusions about association of the variant with Glycogen Phosphorylase Kinase Deficiency. To our knowledge, no experimental evidence demonstrating an impact on protein function has been reported. The following publication has been ascertained in the context of this evaluation (PMID: 37510298). ClinVar contains an entry for this variant (Variation ID: 845730). Based on the evidence outlined above, the variant was classified as uncertain significance.

Illumina Laboratory Services, Illumina
Classification: Uncertain significance for Glycogen storage disease IXb. Last evaluated: 2017-04-27. Review status: criteria provided, single submitter. Criteria: ICSL Variant Classification Criteria 13 December 2019. Collection method: clinical testing. Allele origin: germline.

Dr. Peter K. Rogan Lab, Western University
No classification provided (evidence only). Condition: Clear cell carcinoma of kidney. Review status: no classification provided. Collection method: in vitro. Allele origin: not applicable. Functional consequence: retained intron. Not counted in ClinVar's aggregate classification.

Dr. Peter K. Rogan Lab, Western University
No classification provided (evidence only). Condition: Colorectal cancer. Review status: no classification provided. Collection method: in vitro. Allele origin: not applicable. Functional consequence: retained intron. Not counted in ClinVar's aggregate classification.

Dr. Peter K. Rogan Lab, Western University
No classification provided (evidence only). Condition: Gastric cancer. Review status: no classification provided. Collection method: in vitro. Allele origin: not applicable. Functional consequence: retained intron. Not counted in ClinVar's aggregate classification.

Dr. Peter K. Rogan Lab, Western University
No classification provided (evidence only). Condition: Malignant tumor of esophagus. Review status: no classification provided. Collection method: in vitro. Allele origin: not applicable. Functional consequence: retained intron. Not counted in ClinVar's aggregate classification.

Literature cited by the submitters: PubMed 37510298 (cited by Women's Health and Genetics/Laboratory Corporation of America, LabCorp).

NM_000293.3(PHKB):c.2195A>G (p.Asn732Ser)

Gene: PHKB (phosphorylase kinase regulatory subunit beta; plus strand). Cytogenetic location: 16q12.1.
Variant type: single nucleotide variant.
Coding change: c.2195A>G on transcript NM_000293.3 (MANE Select); coding-DNA position 2195, A replaced by G.
Protein change: p.Asn732Ser; replaces asparagine 732 with serine.
Molecular consequence: missense variant.
Genome position (GRCh38, 1-based): chr16:47,660,818, A>G. VCF-style: chr16-47660818-A-G. GRCh37 (hg19) VCF-style: chr16-47694729-A-G.
Other names: c.2174A>G, p.Asn725Ser (NM_001031835.3); c.2195A>G, p.Asn732Ser (NM_001363837.1); short protein forms N725S, N732S.
Identifiers: ClinVar variation 845730 (VCV000845730.13), dbSNP rs201360702, ClinGen allele CA8041087.